The following is an entry in ClinVar:

ClinVar aggregate classification (germline): Conflicting classifications of pathogenicity. Review status: criteria provided, conflicting classifications (1 of 4 stars). 4 submissions from 4 submitters: Uncertain significance (2); Likely benign (1). 1 of the submissions does not count toward it. Last evaluated 2026-05-02.

Conditions:
DNAH5-related disorder. Also called: DNAH5-related condition.
Primary ciliary dyskinesia. Also called: Ciliary dyskinesia. Identifiers: Orphanet 244, MedGen C0008780, MONDO:0016575, HP:0012265.

Allele frequency attached by ClinVar (database versions not stated): ExAC 0.00001; gnomAD 0.00002; gnomAD exomes 0.00004 and 0.00005; TOPMed 0.00004.

Submissions (4):

PreventionGenetics, part of Exact Sciences
Classification: Uncertain significance for DNAH5-related condition. Last evaluated: 2026-05-02. Review status: criteria provided, single submitter. Criteria: ACMG Guidelines, 2015. Collection method: clinical testing. Allele origin: germline.
Comment: The DNAH5 c.4877T>C variant is predicted to result in the amino acid substitution p.Met1626Thr. To our knowledge, this variant has not been reported in the literature. This variant is reported in 0.0062% of alleles in individuals of European (Non-Finnish) descent in gnomAD. At this time, the clinical significance of this variant is uncertain due to the absence of conclusive functional and genetic evidence.

Labcorp Genetics (formerly Invitae), Labcorp
Classification: Likely benign for Primary ciliary dyskinesia. Last evaluated: 2025-12-30. Review status: criteria provided, single submitter. Criteria: Invitae Variant Classification Sherloc (09022015). Collection method: clinical testing. Allele origin: germline.

Blueprint Genetics
Classification: Uncertain significance. Last evaluated: 2024-07-24. Review status: criteria provided, single submitter. Criteria: ACMG Guidelines, 2015. Collection method: clinical testing. Allele origin: germline.

Natera, Inc.
Classification: Uncertain significance for Primary ciliary dyskinesia. Last evaluated: 2019-10-28. Review status: no assertion criteria provided. Collection method: clinical testing. Allele origin: germline. Not counted in ClinVar's aggregate classification.

NM_001369.3(DNAH5):c.4877T>C (p.Met1626Thr)

Genes: DNAH5 (dynein axonemal heavy chain 5; minus strand), LOC126807318 (MED14-independent group 3 enhancer GRCh37_chr5:13858976-13860175; plus strand). Cytogenetic location: 5p15.2.
Variant type: single nucleotide variant.
Coding change: c.4877T>C on transcript NM_001369.3 (MANE Select); coding-DNA position 4877, T replaced by C.
Protein change: p.Met1626Thr; replaces methionine 1626 with threonine.
Molecular consequence: missense variant.
Genome position (GRCh38, 1-based): chr5:13,859,525, A>G on the plus strand (T>C on the coding strand, the complement: DNAH5 is on the minus strand). VCF-style: chr5-13859525-A-G. GRCh37 (hg19) VCF-style: chr5-13859634-A-G.
Other names: short protein forms M1626T.
Identifiers: ClinVar variation 407223 (VCV000407223.8), dbSNP rs753163103, ClinGen allele CA3203854.
Genomic context (GRCh38, chr5:13,859,525, plus strand): 5'-TTGGCAATGTCTCCTCCCACAAAGACAGCTTCTAAATAAATCCACAGGTTTTGCACCGTC[A>G]TCCAGCTCTCGATGATGTCTGTTGAGTTGGAAAGGTACTGCACCCATTTTTGAATCTGGG-3'
Protein context (NP_001360.1, residues 1616-1636): SNSTDIIESW[Met1626Thr]TVQNLWIYLE